The following is an entry in ClinVar:

NM_199242.3(UNC13D):c.683+1G>A

Gene: UNC13D (unc-13 homolog D; minus strand). Cytogenetic location: 17q25.1.
Variant type: single nucleotide variant.
Coding change: c.683+1G>A on transcript NM_199242.3 (MANE Select); the canonical splice donor site of the intron after coding-DNA position 683, G replaced by A.
Molecular consequence: splice donor variant.
Genome position (GRCh38, 1-based): chr17:75,840,761, C>T on the plus strand (G>A on the coding strand, the complement: UNC13D is on the minus strand). VCF-style: chr17-75840761-C-T. GRCh37 (hg19) VCF-style: chr17-73836842-C-T.
Identifiers: ClinVar variation 2177564 (VCV002177564.4), dbSNP rs2545985776, ClinGen allele CA401111178.

ClinVar aggregate classification (germline): Likely pathogenic (1 of 4 stars; one submission).

Conditions:
Familial hemophagocytic lymphohistiocytosis 3 (FHL3). Also called: UNC13D-Related Familial Hemophagocytic Lymphohistiocytosis (UNC13D-fHLH). Identifiers: Orphanet 540, MedGen C1837174, MONDO:0012146, OMIM 608898.

Submission:

Labcorp Genetics (formerly Invitae), Labcorp
Classification: Likely pathogenic for Familial hemophagocytic lymphohistiocytosis 3. Last evaluated: 2022-04-16. Review status: criteria provided, single submitter. Criteria: Invitae Variant Classification Sherloc (09022015). Collection method: clinical testing. Allele origin: germline.
Comment: In summary, the currently available evidence indicates that the variant is pathogenic, but additional data are needed to prove that conclusively. Therefore, this variant has been classified as Likely Pathogenic. Algorithms developed to predict the effect of sequence changes on RNA splicing suggest that this variant may disrupt the consensus splice site. This variant has not been reported in the literature in individuals affected with UNC13D-related conditions. This variant is not present in population databases (gnomAD no frequency). This sequence change affects a donor splice site in intron 8 of the UNC13D gene. It is expected to disrupt RNA splicing. Variants that disrupt the donor or acceptor splice site typically lead to a loss of protein function (PMID: 16199547), and loss-of-function variants in UNC13D are known to be pathogenic (PMID: 14622600).

Literature cited by the submitters: PubMed 16199547; PubMed 14622600.